The following is an entry in ClinVar:

NM_003235.5(TG):c.7143C>A (p.Ser2381=)

Gene: TG (thyroglobulin; plus strand). Cytogenetic location: 8q24.22.
Variant type: single nucleotide variant.
Coding change: c.7143C>A on transcript NM_003235.5 (MANE Select); coding-DNA position 7143, C replaced by A.
Protein change: p.Ser2381=; no amino-acid change (serine 2381 retained).
Molecular consequence: synonymous variant.
Genome position (GRCh38, 1-based): chr8:133,029,927, C>A. VCF-style: chr8-133029927-C-A. GRCh37 (hg19) VCF-style: chr8-134042172-C-A.
Identifiers: ClinVar variation 2658841 (VCV002658841.24), dbSNP rs773840836, ClinGen allele CA463014476.

ClinVar aggregate classification (germline): Likely benign (1 of 4 stars; one submission).

Allele frequency attached by ClinVar (database versions not stated): TOPMed below 0.00001.

Submission:

CeGaT Center for Human Genetics Tuebingen
Classification: Likely benign. Last evaluated: 2023-01-01. Review status: criteria provided, single submitter. Criteria: CeGaT Center For Human Genetics Tuebingen Variant Classification Criteria Version 2. Collection method: clinical testing. Allele origin: germline. Affected: yes. Observed: 1 variant allele.
Comment: TG: PM2:Supporting, BP4, BP7